The following is an entry in ClinVar:

ClinVar aggregate classification (germline): Pathogenic (1 of 4 stars; one submission).

Conditions:
Joubert syndrome and related disorders. Identifiers: Orphanet 140874, MedGen C5679612, MONDO:0015369.

Submission:

Myriad Genetics, Inc.
Classification: Pathogenic for Joubert syndrome and related disorders. Last evaluated: 2025-07-22. Review status: criteria provided, single submitter. Criteria: Myriad Autosomal Dominant, Autosomal Recessive and X-Linked Classification Criteria (2023). Collection method: clinical testing. Allele origin: unknown.
Comment: NM_001080522.2(CC2D2A):c.2463_2475del13(Q822Dfs*6) is expected to be pathogenic in the context of CC2D2A-related disorders. This variant is predicted to lead to an abnormal or absent protein product due to the creation of a premature termination codon in CC2D2A, a gene where loss-of-function variants are known to be pathogenic. Please note: this variant was assessed in the context of healthy population screening.

NM_001378615.1(CC2D2A):c.2463_2475del (p.Gln822fs)

Genes: CC2D2A (coiled-coil and C2 domain containing 2A; plus strand), FBXL5 (F-box and leucine rich repeat protein 5; minus strand). Cytogenetic location: 4p15.32.
Variant type: Deletion.
Coding change: c.2463_2475del on transcript NM_001378615.1 (MANE Select); coding-DNA positions 2463 to 2475, 13 bases deleted (ACAGCAGAACATC).
Protein change: p.Gln822fs; shifts the reading frame from glutamine 822.
Molecular consequence: frameshift variant.
Genome position (GRCh38, 1-based): chr4:15,553,282-15,553,294, ACAGCAGAACATC deleted; deleting any 13 consecutive bases within chr4:15,553,280-15,553,294 gives the same sequence; the c. name uses the placement nearest the transcript's 3' end. VCF-style (leftmost placement, unchanged base first): chr4-15553279-GTCACAGCAGAACA-G. GRCh37 (hg19) VCF-style: chr4-15554902-GTCACAGCAGAACA-G.
Other names: c.2316_2328del, p.Gln773fs (NM_001378617.1); c.2463_2475del, p.Gln822fs (NM_001080522.2); short protein forms Q773fs, Q822fs.
Identifiers: ClinVar variation 5014764 (VCV005014764.1).